The following is an entry in ClinVar:

NM_005235.3(ERBB4):c.1928C>T (p.Thr643Ile)

Gene: ERBB4 (erb-b2 receptor tyrosine kinase 4; minus strand). Cytogenetic location: 2q34.
Variant type: single nucleotide variant.
Coding change: c.1928C>T on transcript NM_005235.3 (MANE Select); coding-DNA position 1928, C replaced by T.
Protein change: p.Thr643Ile; replaces threonine 643 with isoleucine.
Molecular consequence: missense variant. On other transcripts: intron variant (2).
Genome position (GRCh38, 1-based): chr2:211,657,772, G>A on the plus strand (C>T on the coding strand, the complement: ERBB4 is on the minus strand). VCF-style: chr2-211657772-G-A. GRCh37 (hg19) VCF-style: chr2-212522497-G-A.
Other names: c.1928C>T, p.Thr643Ile (NM_001042599.2); c.1916+178C>T (NM_001439006.1, NM_001439005.1); short protein forms T643I.
Identifiers: ClinVar variation 4250418 (VCV004250418.2).

ClinVar aggregate classification (germline): Conflicting classifications of pathogenicity. Review status: criteria provided, conflicting classifications (1 of 4 stars). 2 submissions from 2 submitters: Uncertain significance (1); Likely benign (1). Last evaluated 2025-09-26.

Conditions:
Inborn genetic diseases. Identifiers: MedGen C0950123, MeSH D030342.

gnomAD v4.1: 31 of 1,613,826 alleles (0.0019%); highest among the groups gnomAD compares: Non-Finnish European, 0.0025%; no homozygotes.

Submissions (2):

Labcorp Genetics (formerly Invitae), Labcorp
Classification: Uncertain significance. Last evaluated: 2025-09-26. Review status: criteria provided, single submitter. Criteria: Invitae Variant Classification Sherloc (09022015). Collection method: clinical testing. Allele origin: germline.
Comment: This sequence change replaces threonine, which is neutral and polar, with isoleucine, which is neutral and non-polar, at codon 643 of the ERBB4 protein (p.Thr643Ile). This variant is present in population databases (rs779321314, gnomAD 0.008%). This variant has not been reported in the literature in individuals affected with ERBB4-related conditions. An algorithm developed to predict the effect of missense changes on protein structure and function (PolyPhen-2) suggests that this variant is likely to be tolerated. In summary, the available evidence is currently insufficient to determine the role of this variant in disease. Therefore, it has been classified as a Variant of Uncertain Significance.

Ambry Genetics
Classification: Likely benign for Inborn genetic diseases. Last evaluated: 2025-07-01. Review status: criteria provided, single submitter. Criteria: Ambry Variant Classification Scheme 2023. Collection method: clinical testing. Allele origin: germline.